The following is an entry in ClinVar:

ClinVar aggregate classification (germline): Uncertain significance. Review status: criteria provided, multiple submitters, no conflicts (2 of 4 stars). 2 submissions from 2 submitters: Uncertain significance (2). Last evaluated 2025-04-15.

Conditions:
Inborn genetic diseases. Identifiers: MedGen C0950123, MeSH D030342.

Allele frequency attached by ClinVar (database versions not stated): gnomAD 0.00003; gnomAD exomes 0.00003; TOPMed 0.00004; ExAC 0.00006; ESP Exome Variant Server 0.00008.
gnomAD v4.1: 47 of 1,607,120 alleles (0.0029%); highest among the groups gnomAD compares: South Asian, 0.016%; no homozygotes.

Submissions (2):

Ambry Genetics
Classification: Uncertain significance for Inborn genetic diseases. Last evaluated: 2025-04-15. Review status: criteria provided, single submitter. Criteria: Ambry Variant Classification Scheme 2023. Collection method: clinical testing. Allele origin: germline.

GeneDx
Classification: Uncertain significance. Last evaluated: 2022-10-09. Review status: criteria provided, single submitter. Criteria: GeneDx Variant Classification Process June 2021. Collection method: clinical testing. Allele origin: germline. Affected: yes.
Comment: In silico analysis supports that this missense variant does not alter protein structure/function; Has not been previously published as pathogenic or benign to our knowledge

NM_020401.4(NUP107):c.920G>A (p.Arg307Gln)

Gene: NUP107 (nucleoporin 107; plus strand). Cytogenetic location: 12q15.
Variant type: single nucleotide variant.
Coding change: c.920G>A on transcript NM_020401.4 (MANE Select); coding-DNA position 920, G replaced by A.
Protein change: p.Arg307Gln; replaces arginine 307 with glutamine.
Molecular consequence: missense variant.
Genome position (GRCh38, 1-based): chr12:68,713,759, G>A. VCF-style: chr12-68713759-G-A. GRCh37 (hg19) VCF-style: chr12-69107539-G-A.
Other names: c.833G>A, p.Arg278Gln (NM_001330192.2); short protein forms R278Q, R307Q.
Identifiers: ClinVar variation 2497918 (VCV002497918.2), dbSNP rs146007387, ClinGen allele CA6677596.